The following is an entry in ClinVar:

ClinVar aggregate classification (germline): Uncertain significance (1 of 4 stars; one submission).

Allele frequency attached by ClinVar (database versions not stated): gnomAD 0.00007; ExAC 0.00008; TOPMed 0.00008.
gnomAD v4.1: 65 of 1,613,992 alleles (0.004%); highest among the groups gnomAD compares: Middle Eastern, 0.016%; no homozygotes.

Submission:

Labcorp Genetics (formerly Invitae), Labcorp
Classification: Uncertain significance. Last evaluated: 2025-10-02. Review status: criteria provided, single submitter. Criteria: Invitae Variant Classification Sherloc (09022015). Collection method: clinical testing. Allele origin: germline.
Comment: This sequence change replaces glutamic acid, which is acidic and polar, with lysine, which is basic and polar, at codon 23 of the IFT57 protein (p.Glu23Lys). This variant is present in population databases (rs775128582, gnomAD 0.01%). This variant has not been reported in the literature in individuals affected with IFT57-related conditions. ClinVar contains an entry for this variant (Variation ID: 2155645). An algorithm developed to predict the effect of missense changes on protein structure and function (PolyPhen-2) suggests that this variant is likely to be tolerated. In summary, the available evidence is currently insufficient to determine the role of this variant in disease. Therefore, it has been classified as a Variant of Uncertain Significance.

NM_018010.4(IFT57):c.67G>A (p.Glu23Lys)

Gene: IFT57 (intraflagellar transport 57; minus strand). Cytogenetic location: 3q13.13.
Variant type: single nucleotide variant.
Coding change: c.67G>A on transcript NM_018010.4 (MANE Select); coding-DNA position 67, G replaced by A.
Protein change: p.Glu23Lys; replaces glutamic acid 23 with lysine.
Molecular consequence: missense variant.
Genome position (GRCh38, 1-based): chr3:108,222,256, C>T on the plus strand (G>A on the coding strand, the complement: IFT57 is on the minus strand). VCF-style: chr3-108222256-C-T. GRCh37 (hg19) VCF-style: chr3-107941103-C-T.
Other names: short protein forms E23K.
Identifiers: ClinVar variation 2155645 (VCV002155645.4), dbSNP rs775128582, ClinGen allele CA2526850.